The following is an entry in ClinVar:

ClinVar aggregate classification (germline): Uncertain significance (1 of 4 stars; one submission).

Conditions:
Myasthenic syndrome, congenital, 22 (CMS22). Also called: PREPL DEFICIENCY. Identifiers: MedGen C4479088, MONDO:0044299, OMIM 616224.

Allele frequency attached by ClinVar (database versions not stated): gnomAD exomes below 0.00001 and 0.00001.
gnomAD v4.1: 3 of 1,614,096 alleles (0.00019%); highest among the groups gnomAD compares: Non-Finnish European, 0.00025%; no homozygotes.

Submission:

Labcorp Genetics (formerly Invitae), Labcorp
Classification: Uncertain significance for Myasthenic syndrome, congenital, 22. Last evaluated: 2019-11-01. Review status: criteria provided, single submitter. Criteria: Invitae Variant Classification Sherloc (09022015). Collection method: clinical testing. Allele origin: germline.
Comment: This sequence change replaces isoleucine with arginine at codon 280 of the PREPL protein (p.Ile280Arg). The isoleucine residue is moderately conserved and there is a moderate physicochemical difference between isoleucine and arginine. This variant is not present in population databases (ExAC no frequency). This variant has not been reported in the literature in individuals with PREPL-related conditions. Algorithms developed to predict the effect of missense changes on protein structure and function are either unavailable or do not agree on the potential impact of this missense change (SIFT: "Deleterious"; PolyPhen-2: "Possibly Damaging"; Align-GVGD: "Class C0"). In summary, the available evidence is currently insufficient to determine the role of this variant in disease. Therefore, it has been classified as a Variant of Uncertain Significance.

NM_001171613.2(PREPL):c.572T>G (p.Ile191Arg)

Gene: PREPL (prolyl endopeptidase like; minus strand). Cytogenetic location: 2p21.
Variant type: single nucleotide variant.
Coding change: c.572T>G on transcript NM_001171613.2 (MANE Select); coding-DNA position 572, T replaced by G.
Protein change: p.Ile191Arg; replaces isoleucine 191 with arginine.
Molecular consequence: missense variant.
Genome position (GRCh38, 1-based): chr2:44,339,277, A>C on the plus strand (T>G on the coding strand, the complement: PREPL is on the minus strand). VCF-style: chr2-44339277-A-C. GRCh37 (hg19) VCF-style: chr2-44566416-A-C.
Other names: c.839T>G, p.Ile280Arg (NM_006036.4, NM_001042385.2, NM_001042386.2 and 4 more transcripts); c.572T>G, p.Ile191Arg (NM_001171617.1, NM_001374277.1); short protein forms I191R, I280R.
Identifiers: ClinVar variation 953341 (VCV000953341.9), dbSNP rs1363159797, ClinGen allele CA346692159.